The following is an entry in ClinVar:

NM_058004.4(PI4KA):c.3496A>G (p.Met1166Val)

Gene: PI4KA (phosphatidylinositol 4-kinase alpha; minus strand). Cytogenetic location: 22q11.21.
Variant type: single nucleotide variant.
Coding change: c.3496A>G on transcript NM_058004.4 (MANE Select); coding-DNA position 3496, A replaced by G.
Protein change: p.Met1166Val; replaces methionine 1166 with valine.
Molecular consequence: missense variant.
Genome position (GRCh38, 1-based): chr22:20,742,725, T>C on the plus strand (A>G on the coding strand, the complement: PI4KA is on the minus strand). VCF-style: chr22-20742725-T-C. GRCh37 (hg19) VCF-style: chr22-21097013-T-C.
Other names: c.3403A>G, p.Met1135Val (NM_001362862.2); c.3430A>G, p.Met1144Val (NM_001362863.2); c.3496A>G (NM_058004.3); short protein forms M1166V, M1135V, M1144V.
Identifiers: ClinVar variation 546910 (VCV000546910.44), dbSNP rs201558760, ClinGen allele CA10115346.

ClinVar aggregate classification (germline): Uncertain significance. Review status: criteria provided, multiple submitters, no conflicts (2 of 4 stars). 2 submissions from 2 submitters: Uncertain significance (2). Last evaluated 2024-12-02.

Allele frequency attached by ClinVar (database versions not stated): ExAC 0.00002; gnomAD exomes 0.00002; TOPMed 0.00002; gnomAD 0.00003 and 0.00004.

Submissions (2):

GeneDx
Classification: Uncertain significance. Last evaluated: 2024-12-02. Review status: criteria provided, single submitter. Criteria: GeneDx Variant Classification Process June 2021. Collection method: clinical testing. Allele origin: germline. Affected: yes.
Comment: In silico analysis indicates that this missense variant does not alter protein structure/function; Has not been previously published as pathogenic or benign to our knowledge

CeGaT Center for Human Genetics Tuebingen
Classification: Uncertain significance. Last evaluated: 2017-12-01. Review status: criteria provided, single submitter. Criteria: CeGaT Center For Human Genetics Tuebingen Variant Classification Criteria Version 2. Collection method: clinical testing. Allele origin: germline. Affected: yes. Observed: 1 variant allele.